The following is an entry in ClinVar:

NM_000742.4(CHRNA2):c.1564C>T (p.Pro522Ser)

Gene: CHRNA2 (cholinergic receptor nicotinic alpha 2 subunit; minus strand). Cytogenetic location: 8p21.2.
Variant type: single nucleotide variant.
Coding change: c.1564C>T on transcript NM_000742.4 (MANE Select); coding-DNA position 1564, C replaced by T.
Protein change: p.Pro522Ser; replaces proline 522 with serine.
Molecular consequence: missense variant.
Genome position (GRCh38, 1-based): chr8:27,461,655, G>A on the plus strand (C>T on the coding strand, the complement: CHRNA2 is on the minus strand). VCF-style: chr8-27461655-G-A. GRCh37 (hg19) VCF-style: chr8-27319172-G-A.
Other names: c.1519C>T, p.Pro507Ser (NM_001282455.2); c.1087C>T, p.Pro363Ser (NM_001347705.2, NM_001347706.2); c.970C>T, p.Pro324Ser (NM_001347707.2, NM_001347708.2); short protein forms P324S, P363S, P507S, P522S.
Identifiers: ClinVar variation 3368761 (VCV003368761.1).

ClinVar aggregate classification (germline): Uncertain significance (1 of 4 stars; one submission).

Submission:

GeneDx
Classification: Uncertain significance. Last evaluated: 2024-02-06. Review status: criteria provided, single submitter. Criteria: GeneDx Variant Classification Process June 2021. Collection method: clinical testing. Allele origin: germline. Affected: yes.
Comment: Not observed at significant frequency in large population cohorts (gnomAD); In silico analysis supports that this missense variant does not alter protein structure/function; Has not been previously published as pathogenic or benign to our knowledge